The following is an entry in ClinVar:

ClinVar aggregate classification (germline): Uncertain significance (1 of 4 stars; one submission).

Conditions:
Cardiovascular phenotype. Identifiers: MedGen CN230736.

Submission:

Ambry Genetics
Classification: Uncertain significance for Cardiovascular phenotype. Last evaluated: 2024-11-01. Review status: criteria provided, single submitter. Criteria: Ambry Variant Classification Scheme 2023. Collection method: clinical testing. Allele origin: germline.
Comment: The p.Y1157C variant (also known as c.3470A>G), located in coding exon 22 of the APOB gene, results from an A to G substitution at nucleotide position 3470. The tyrosine at codon 1157 is replaced by cysteine, an amino acid with highly dissimilar properties. This amino acid position is conserved. In addition, this alteration is predicted to be tolerated by in silico analysis. Based on the available evidence, the clinical significance of this variant remains unclear.

NM_000384.3(APOB):c.3470A>G (p.Tyr1157Cys)

Gene: APOB (apolipoprotein B; minus strand). Cytogenetic location: 2p24.1.
Variant type: single nucleotide variant.
Coding change: c.3470A>G on transcript NM_000384.3 (MANE Select); coding-DNA position 3470, A replaced by G.
Protein change: p.Tyr1157Cys; replaces tyrosine 1157 with cysteine.
Molecular consequence: missense variant.
Genome position (GRCh38, 1-based): chr2:21,015,408, T>C on the plus strand (A>G on the coding strand, the complement: APOB is on the minus strand). VCF-style: chr2-21015408-T-C. GRCh37 (hg19) VCF-style: chr2-21238280-T-C.
Other names: short protein forms Y1157C.
Identifiers: ClinVar variation 3416316 (VCV003416316.1).